The following is an entry in ClinVar:

NM_020778.5(ALPK3):c.82C>T (p.Pro28Ser)

Gene: ALPK3 (alpha kinase 3; plus strand). Cytogenetic location: 15q25.3.
Variant type: single nucleotide variant.
Coding change: c.82C>T on transcript NM_020778.5 (MANE Select); coding-DNA position 82, C replaced by T.
Protein change: p.Pro28Ser; replaces proline 28 with serine.
Molecular consequence: missense variant.
Genome position (GRCh38, 1-based): chr15:84,817,534, C>T. VCF-style: chr15-84817534-C-T. GRCh37 (hg19) VCF-style: chr15-85360765-C-T.
Other names: c.688C>T (NM_020778.4); short protein forms P28S.
Identifiers: ClinVar variation 2889446 (VCV002889446.5), dbSNP rs1268648693, ClinGen allele CA393369428.
Genomic context (GRCh38, chr15:84,817,534, plus strand): 5'-AGCCGGGGCTGGGGCGCGGGTGGGCGGTCGGGGGCGGGGGGCGACGGTGAGGACGACGGC[C>T]CCGTGTGGATCCCCAGCCCAGCCAGCCGGAGCTACCTGCTCAGCGTGCGGCCCGAGACCA-3'
Protein context (NP_065829.4, residues 18-38): GAGGDGEDDG[Pro28Ser]VWIPSPASRS

ClinVar aggregate classification (germline): Uncertain significance. Review status: criteria provided, multiple submitters, no conflicts (2 of 4 stars). 3 submissions from 3 submitters: Uncertain significance (3). Last evaluated 2025-10-10.

Conditions:
Cardiovascular phenotype. Identifiers: MedGen CN230736.

Allele frequency attached by ClinVar (database versions not stated): gnomAD 0.00001; TOPMed below 0.00001.
gnomAD v4.1: 7 of 1,498,676 alleles (0.00047%); highest among the groups gnomAD compares: Non-Finnish European, 0.00053%; no homozygotes.

Submissions (3):

Labcorp Genetics (formerly Invitae), Labcorp
Classification: Uncertain significance. Last evaluated: 2025-10-10. Review status: criteria provided, single submitter. Criteria: Invitae Variant Classification Sherloc (09022015). Collection method: clinical testing. Allele origin: germline.
Comment: This sequence change replaces proline, which is neutral and non-polar, with serine, which is neutral and polar, at codon 230 of the ALPK3 protein (p.Pro230Ser). This variant is not present in population databases (gnomAD no frequency). This variant has not been reported in the literature in individuals affected with ALPK3-related conditions. ClinVar contains an entry for this variant (Variation ID: 2889446). An algorithm developed to predict the effect of missense changes on protein structure and function (PolyPhen-2) suggests that this variant is likely to be disruptive. In summary, the available evidence is currently insufficient to determine the role of this variant in disease. Therefore, it has been classified as a Variant of Uncertain Significance.

Ambry Genetics
Classification: Uncertain significance for Cardiovascular phenotype. Last evaluated: 2023-12-29. Review status: criteria provided, single submitter. Criteria: Ambry Variant Classification Scheme 2023. Collection method: clinical testing. Allele origin: germline.
Comment: The p.P230S variant (also known as c.688C>T), located in coding exon 1 of the ALPK3 gene, results from a C to T substitution at nucleotide position 688. The proline at codon 230 is replaced by serine, an amino acid with similar properties. This amino acid position is conserved. In addition, this alteration is predicted to be tolerated by in silico analysis. Since supporting evidence is limited at this time, the clinical significance of this alteration remains unclear.

GeneDx
Classification: Uncertain significance. Last evaluated: 2023-09-29. Review status: criteria provided, single submitter. Criteria: GeneDx Variant Classification Process June 2021. Collection method: clinical testing. Allele origin: germline. Affected: yes.
Comment: Not observed at significant frequency in large population cohorts (gnomAD); In silico analysis supports that this missense variant does not alter protein structure/function; Has not been previously published as pathogenic or benign to our knowledge